The following is an entry in ClinVar:

ClinVar aggregate classification (germline): Conflicting classifications of pathogenicity. Review status: criteria provided, conflicting classifications (1 of 4 stars). 3 submissions from 3 submitters: Uncertain significance (2); Likely benign (1). Last evaluated 2024-11-22.

Conditions:
Hereditary cancer-predisposing syndrome. Also called: Neoplastic Syndromes, Hereditary; Tumor predisposition; Hereditary Cancer Syndrome; Hereditary neoplastic syndrome. Identifiers: Orphanet 140162, MedGen C0027672, MeSH D009386, MONDO:0015356.
Breast-ovarian cancer, familial, susceptibility to, 3. Also called: RAD51C-Related Breast/Ovarian Cancer. Identifiers: Orphanet 145, MedGen C3150659, MONDO:0013253, OMIM 613399.

Allele frequency attached by ClinVar (database versions not stated): gnomAD exomes below 0.00001.
gnomAD v4.1: 1 of 1,614,108 alleles (0.000062%); highest among the groups gnomAD compares: East Asian, 0.0022%; no homozygotes.

Submissions (3):

Ambry Genetics
Classification: Likely benign for Hereditary cancer-predisposing syndrome. Last evaluated: 2024-11-22. Review status: criteria provided, single submitter. Criteria: Ambry Variant Classification Scheme 2023. Collection method: clinical testing. Allele origin: germline.

Color Diagnostics, LLC DBA Color Health
Classification: Uncertain significance for Hereditary cancer-predisposing syndrome. Last evaluated: 2024-08-28. Review status: criteria provided, single submitter. Criteria: ACMG Guidelines, 2015. Collection method: clinical testing. Allele origin: germline.
Comment: This missense variant replaces glutamic acid with glutamine at codon 67 of the RAD51C protein. Computational prediction suggests that this variant may not impact protein structure and function. To our knowledge, functional studies have not been reported for this variant. This variant has been reported in an individual affected with early-onset breast cancer (PMID: 25186627). This variant has not been identified in the general population by the Genome Aggregation Database (gnomAD). The available evidence is insufficient to determine the role of this variant in disease conclusively. Therefore, this variant is classified as a Variant of Uncertain Significance.

Baylor Genetics
Classification: Uncertain significance for Breast-ovarian cancer, familial, susceptibility to, 3. Last evaluated: 2023-05-01. Review status: criteria provided, single submitter. Criteria: ACMG Guidelines, 2015. Collection method: clinical testing. Allele origin: unknown.

Literature cited by the submitters: PubMed 25186627 (cited by Ambry Genetics and Color Diagnostics, LLC DBA Color Health).

NM_058216.3(RAD51C):c.199G>C (p.Glu67Gln)

Gene: RAD51C (RAD51 paralog C; plus strand). Cytogenetic location: 17q22.
Variant type: single nucleotide variant.
Coding change: c.199G>C on transcript NM_058216.3 (MANE Select); coding-DNA position 199, G replaced by C.
Protein change: p.Glu67Gln; replaces glutamic acid 67 with glutamine.
Molecular consequence: missense variant. On other transcripts: non-coding transcript variant (2).
Genome position (GRCh38, 1-based): chr17:58,694,984, G>C. VCF-style: chr17-58694984-G-C. GRCh37 (hg19) VCF-style: chr17-56772345-G-C.
Other names: c.199G>C, p.Glu67Gln (NM_002876.4); short protein forms E67Q.
Identifiers: ClinVar variation 820489 (VCV000820489.8), dbSNP rs1567785872, ClinGen allele CA400339959.